The following is an entry in ClinVar:

ClinVar aggregate classification (germline): Uncertain significance (1 of 4 stars; one submission).

Conditions:
Hereditary cancer-predisposing syndrome. Also called: Neoplastic Syndromes, Hereditary; Tumor predisposition; Hereditary Cancer Syndrome; Hereditary neoplastic syndrome. Identifiers: Orphanet 140162, MedGen C0027672, MeSH D009386, MONDO:0015356.

Submission:

Ambry Genetics
Classification: Uncertain significance for Hereditary cancer-predisposing syndrome. Last evaluated: 2026-05-31. Review status: criteria provided, single submitter. Criteria: Ambry Variant Classification Scheme 2023. Collection method: clinical testing. Allele origin: germline.
Comment: The p.I1055V variant (also known as c.3163A>G), located in coding exon 21 of the SMARCA4 gene, results from an A to G substitution at nucleotide position 3163. The isoleucine at codon 1055 is replaced by valine, an amino acid with highly similar properties. This amino acid position is conserved. In addition, this alteration is predicted to be tolerated by in silico analysis. Based on the available evidence, the clinical significance of this variant remains unclear.

NM_003072.5(SMARCA4):c.3163A>G (p.Ile1055Val)

Gene: SMARCA4 (SWI/SNF related BAF chromatin remodeling complex subunit ATPase 4; plus strand). Cytogenetic location: 19p13.2.
Variant type: single nucleotide variant.
Coding change: c.3163A>G on transcript NM_003072.5 (MANE Select); coding-DNA position 3163, A replaced by G.
Protein change: p.Ile1055Val; replaces isoleucine 1055 with valine.
Molecular consequence: missense variant. On other transcripts: non-coding transcript variant (1).
Genome position (GRCh38, 1-based): chr19:11,025,503, A>G. VCF-style: chr19-11025503-A-G. GRCh37 (hg19) VCF-style: chr19-11136179-A-G.
Other names: c.3163A>G, p.Ile1055Val (NM_001128844.3, NM_001128845.2, NM_001128846.2 and 6 more transcripts); short protein forms I1055V.
Identifiers: ClinVar variation 4864738 (VCV004864738.1).